The following is an entry in ClinVar:

NM_021729.6(VPS11):c.496T>C (p.Leu166=)

Gene: VPS11 (VPS11 core subunit of CORVET and HOPS complexes; plus strand). Cytogenetic location: 11q23.3.
Variant type: single nucleotide variant.
Coding change: c.496T>C on transcript NM_021729.6 (MANE Select); coding-DNA position 496, T replaced by C.
Protein change: p.Leu166=; no amino-acid change (leucine 166 retained).
Molecular consequence: synonymous variant. On other transcripts: non-coding transcript variant (8).
Genome position (GRCh38, 1-based): chr11:119,070,257, T>C. VCF-style: chr11-119070257-T-C. GRCh37 (hg19) VCF-style: chr11-118940967-T-C.
Other names: c.466T>C, p.Leu156= (NM_001290185.2); c.508T>C, p.Leu170= (NM_001378218.1); c.496T>C, p.Leu166= (NM_001378219.1, NM_001378220.1); c.478T>C, p.Leu160= (NM_001378221.1).
Identifiers: ClinVar variation 728565 (VCV000728565.34), dbSNP rs191133267, ClinGen allele CA6313211.

ClinVar aggregate classification (germline): Benign/Likely benign. Review status: criteria provided, multiple submitters, no conflicts (2 of 4 stars). 3 submissions from 3 submitters: Benign (2); Likely benign (1). Last evaluated 2026-07-01.

Allele frequency attached by ClinVar (database versions not stated): 1000 Genomes Project 30x 0.00062; ESP Exome Variant Server 0.00067; gnomAD 0.00077 and 0.00092; 1000 Genomes Project 0.00080; TOPMed 0.00084; ExAC 0.00153; gnomAD exomes 0.00162.
gnomAD v4.1: 1,633 of 1,612,172 alleles (0.1%); highest among the groups gnomAD compares: Middle Eastern, 0.76%; 13 homozygotes.

Submissions (3):

CeGaT Center for Human Genetics Tuebingen
Classification: Likely benign. Last evaluated: 2026-07-01. Review status: criteria provided, single submitter. Criteria: CeGaT Center For Human Genetics Tuebingen Variant Classification Criteria Version 2. Collection method: clinical testing. Allele origin: germline. Affected: yes. Observed: 4 variant alleles.
Comment: VPS11: BP4, BP7

Labcorp Genetics (formerly Invitae), Labcorp
Classification: Benign. Last evaluated: 2026-01-26. Review status: criteria provided, single submitter. Criteria: Invitae Variant Classification Sherloc (09022015). Collection method: clinical testing. Allele origin: germline.

Breakthrough Genomics
Classification: Benign. Review status: criteria provided, single submitter. Criteria: ACMG Guidelines, 2015. Collection method: not provided. Allele origin: germline. Inheritance: Autosomal recessive inheritance. Affected: yes.